The following is an entry in ClinVar:

ClinVar aggregate classification (germline): Likely pathogenic (1 of 4 stars; one submission).

Conditions:
Autosomal recessive limb-girdle muscular dystrophy type 2J (LGMDR10). Also called: MUSCULAR DYSTROPHY, LIMB-GIRDLE, AUTOSOMAL RECESSIVE 10; Limb-girdle muscular dystrophy, type 2J. Identifiers: Orphanet 140922, MedGen C1837342, MONDO:0012127, OMIM 608807.
Dilated cardiomyopathy 1G (CMD1G). Identifiers: Orphanet 154, MedGen C1858763, MONDO:0011400, OMIM 604145.

Submission:

Labcorp Genetics (formerly Invitae), Labcorp
Classification: Likely pathogenic for Dilated cardiomyopathy 1G; Autosomal recessive limb-girdle muscular dystrophy type 2J. Last evaluated: 2025-11-17. Review status: criteria provided, single submitter. Criteria: Invitae Variant Classification Sherloc (09022015). Collection method: clinical testing. Allele origin: germline.
Comment: This sequence change creates a premature translational stop signal (p.Ile23895Metfs*7) in the TTN gene. While this is not anticipated to result in nonsense mediated decay, it is expected to create a truncated TTN protein. This variant is not present in population databases (gnomAD no frequency). This variant has not been reported in the literature in individuals affected with TTN-related conditions. This variant is located in the A band of TTN (PMID: 25589632). Truncating variants in this region are significantly overrepresented in patients affected with dilated cardiomyopathy (PMID: 25589632). Truncating variants in this region have also been reported in individuals affected with autosomal recessive centronuclear myopathy (PMID: 23975875). In summary, the currently available evidence indicates that the variant is pathogenic, but additional data are needed to prove that conclusively. Therefore, this variant has been classified as Likely Pathogenic.

Literature cited by the submitters: PubMed 25589632; PubMed 23975875.

NM_001267550.2(TTN):c.71685del (p.Ile23895fs)

Genes: TTN-AS1 (TTN antisense RNA 1; plus strand), TTN (titin; minus strand). Cytogenetic location: 2q31.2.
Variant type: Deletion.
Coding change: c.71685del on transcript NM_001267550.2 (MANE Select); coding-DNA position 71685, one base deleted (T; older notation c.71685delT).
Protein change: p.Ile23895fs; shifts the reading frame from isoleucine 23895.
Molecular consequence: frameshift variant.
Genome position (GRCh38, 1-based): chr2:178,574,447, A deleted on the plus strand (T on the coding strand, the reverse complement: TTN is on the minus strand); the first of 2 consecutive A bases (chr2:178,574,447-178,574,448); deleting either gives the same sequence. VCF-style (leftmost placement, unchanged base first): chr2-178574446-CA-C. GRCh37 (hg19) VCF-style: chr2-179439173-CA-C.
Other names: c.66762del, p.Ile22254fs (NM_001256850.1); c.44490del, p.Ile14830fs (NM_003319.4); c.63981del, p.Ile21327fs (NM_133378.4); c.44865del, p.Ile14955fs (NM_133432.3); c.45066del, p.Ile15022fs (NM_133437.4); short protein forms I14830fs, I22254fs, I23895fs, I14955fs, I15022fs, I21327fs.
Identifiers: ClinVar variation 4794443 (VCV004794443.1).